The following is an entry in ClinVar:

ClinVar aggregate classification (germline): not provided (0 of 4 stars; one submission).

Conditions:
Mirror movements 2 (MRMV2). Identifiers: Orphanet 238722, MedGen C3281089, MONDO:0013790, OMIM 614508.

Allele frequency attached by ClinVar (database versions not stated): ExAC 0.00001; gnomAD exomes below 0.00001.
gnomAD v4.1: 1 of 1,614,256 alleles (0.000062%); highest among the groups gnomAD compares: South Asian, 0.0011%; no homozygotes.

Submission:

GeneReviews
No classification provided. Condition: Mirror movements 2. Review status: no classification provided. Collection method: literature only. Allele origin: germline. Affected: yes.
Comment: May be associated with a higher risk of CMM.

Literature cited by the submitters: PubMed 24808016; NCBI Bookshelf NBK279760.

NM_002875.5(RAD51):c.140A>G (p.His47Arg)

Gene: RAD51 (RAD51 recombinase; plus strand). Cytogenetic location: 15q15.1.
Variant type: single nucleotide variant.
Coding change: c.140A>G on transcript NM_002875.5 (MANE Select); coding-DNA position 140, A replaced by G.
Protein change: p.His47Arg; replaces histidine 47 with arginine.
Molecular consequence: missense variant.
Genome position (GRCh38, 1-based): chr15:40,701,116, A>G. VCF-style: chr15-40701116-A-G. GRCh37 (hg19) VCF-style: chr15-40993314-A-G.
Other names: c.140A>G, p.His47Arg (NM_001164269.2, NM_001164270.2, NM_133487.4); short protein forms H47R.
Identifiers: ClinVar variation 187802 (VCV000187802.3), dbSNP rs768411477, ClinGen allele CA347169.